The following is an entry in ClinVar:

NM_001291415.2(KDM6A):c.1952C>T (p.Thr651Ile)

Gene: KDM6A (lysine demethylase 6A; plus strand). Cytogenetic location: Xp11.3.
Variant type: single nucleotide variant.
Coding change: c.1952C>T on transcript NM_001291415.2 (MANE Select); coding-DNA position 1952, C replaced by T.
Protein change: p.Thr651Ile; replaces threonine 651 with isoleucine.
Molecular consequence: missense variant. On other transcripts: non-coding transcript variant (1).
Genome position (GRCh38, 1-based): chrX:45,063,690, C>T. VCF-style: chrX-45063690-C-T. GRCh37 (hg19) VCF-style: chrX-44922935-C-T.
Other names: c.1817C>T, p.Thr606Ile (NM_001291416.2); c.1661C>T, p.Thr554Ile (NM_001291417.2); c.1559C>T, p.Thr520Ile (NM_001291418.2); c.908C>T, p.Thr303Ile (NM_001291421.2); c.1796C>T, p.Thr599Ile (NM_021140.4); short protein forms T303I, T520I, T554I, T599I, T606I, T651I.
Identifiers: ClinVar variation 1576461 (VCV001576461.12), dbSNP rs773022554, ClinGen allele CA10392440.

ClinVar aggregate classification (germline): Conflicting classifications of pathogenicity. Review status: criteria provided, conflicting classifications (1 of 4 stars). 3 submissions from 3 submitters: Uncertain significance (1); Likely benign (2). Last evaluated 2025-10-03.

Conditions:
Kabuki syndrome 2 (KABUK2). Also called: KDM6A-Related Kabuki Syndrome. Identifiers: Orphanet 2322, MedGen C3275495, MONDO:0010465, OMIM 300867.

Allele frequency attached by ClinVar (database versions not stated): ExAC 0.00001; gnomAD exomes 0.00001 and 0.00002.
gnomAD v4.1: 6 of 1,209,601 alleles (0.0005%); highest among the groups gnomAD compares: Non-Finnish European, 0.00067%; no homozygotes.

Submissions (3):

Labcorp Genetics (formerly Invitae), Labcorp
Classification: Likely benign for Kabuki syndrome 2. Last evaluated: 2025-10-03. Review status: criteria provided, single submitter. Criteria: Invitae Variant Classification Sherloc (09022015). Collection method: clinical testing. Allele origin: germline.

Blueprint Genetics
Classification: Likely benign. Last evaluated: 2023-04-14. Review status: criteria provided, single submitter. Criteria: ACMG Guidelines, 2015. Collection method: clinical testing. Allele origin: germline.

Centre of Medical Genetics, University Hospital Muenster
Classification: Uncertain significance. Last evaluated: 2022-03-08. Review status: criteria provided, single submitter. Criteria: ACMG Guidelines, 2015. Collection method: clinical testing. Allele origin: unknown. Affected: yes. Observed: 1 variant allele.
Comment: ACMG categories: PM1,PM2,PP1,BP1